The following is an entry in ClinVar:

NM_004859.4(CLTC):c.1720C>T (p.Arg574Cys)

Gene: CLTC (clathrin heavy chain; plus strand). Cytogenetic location: 17q23.1.
Variant type: single nucleotide variant.
Coding change: c.1720C>T on transcript NM_004859.4 (MANE Select); coding-DNA position 1720, C replaced by T.
Protein change: p.Arg574Cys; replaces arginine 574 with cysteine.
Molecular consequence: missense variant.
Genome position (GRCh38, 1-based): chr17:59,666,178, C>T. VCF-style: chr17-59666178-C-T. GRCh37 (hg19) VCF-style: chr17-57743539-C-T.
Other names: c.1732C>T, p.Arg578Cys (NM_001288653.2); short protein forms R574C, R578C.
Identifiers: ClinVar variation 1904675 (VCV001904675.6), dbSNP rs149612863, ClinGen allele CA8681276.

ClinVar aggregate classification (germline): Uncertain significance. Review status: criteria provided, multiple submitters, no conflicts (2 of 4 stars). 2 submissions from 2 submitters: Uncertain significance (2). Last evaluated 2026-07-01.

Allele frequency attached by ClinVar (database versions not stated): gnomAD exomes below 0.00001; ExAC 0.00001; ESP Exome Variant Server 0.00008.
gnomAD v4.1: 4 of 1,613,778 alleles (0.00025%); highest among the groups gnomAD compares: Non-Finnish European, 0.00025%; no homozygotes.

Submissions (2):

CeGaT Center for Human Genetics Tuebingen
Classification: Uncertain significance. Last evaluated: 2026-07-01. Review status: criteria provided, single submitter. Criteria: CeGaT Center For Human Genetics Tuebingen Variant Classification Criteria Version 2. Collection method: clinical testing. Allele origin: germline. Affected: yes. Observed: 1 variant allele.
Comment: CLTC: PP2

Labcorp Genetics (formerly Invitae), Labcorp
Classification: Uncertain significance. Last evaluated: 2022-10-09. Review status: criteria provided, single submitter. Criteria: Invitae Variant Classification Sherloc (09022015). Collection method: clinical testing. Allele origin: germline.
Comment: In summary, the available evidence is currently insufficient to determine the role of this variant in disease. Therefore, it has been classified as a Variant of Uncertain Significance. This sequence change replaces arginine, which is basic and polar, with cysteine, which is neutral and slightly polar, at codon 578 of the CLTC protein (p.Arg578Cys). This variant is present in population databases (rs149612863, gnomAD 0.0009%). This variant has not been reported in the literature in individuals affected with CLTC-related conditions. Advanced modeling of protein sequence and biophysical properties (such as structural, functional, and spatial information, amino acid conservation, physicochemical variation, residue mobility, and thermodynamic stability) performed at Invitae indicates that this missense variant is expected to disrupt CLTC protein function.